The following is an entry in ClinVar:

ClinVar aggregate classification (germline): Pathogenic (1 of 4 stars; one submission).

Submission:

Labcorp Genetics (formerly Invitae), Labcorp
Classification: Pathogenic. Last evaluated: 2021-11-14. Review status: criteria provided, single submitter. Criteria: Invitae Variant Classification Sherloc (09022015). Collection method: clinical testing. Allele origin: germline.
Comment: For these reasons, this variant has been classified as Pathogenic. This variant disrupts a region of the EYS protein in which other variant(s) (p.Tyr3135*) have been determined to be pathogenic (PMID: 18976725, 29159838, 30337596, 31074760). This suggests that this is a clinically significant region of the protein, and that variants that disrupt it are likely to be disease-causing. This variant has not been reported in the literature in individuals affected with EYS-related conditions. This variant is not present in population databases (gnomAD no frequency). This sequence change creates a premature translational stop signal (p.Lys3095Asnfs*10) in the EYS gene. While this is not anticipated to result in nonsense mediated decay, it is expected to disrupt the last 50 amino acid(s) of the EYS protein.

Literature cited by the submitters: PubMed 18976725; PubMed 29159838; PubMed 30337596; PubMed 31074760.

NM_001142800.2(EYS):c.9285_9286del (p.Lys3095fs)

Genes: EYS (EGF-like photoreceptor maintenance factor; minus strand), PHF3 (PHD finger protein 3; plus strand). Cytogenetic location: 6q12.
Variant type: Deletion.
Coding change: c.9285_9286del on transcript NM_001142800.2 (MANE Select); coding-DNA positions 9285 to 9286, 2 bases deleted (GG; older notation c.9285_9286delGG).
Protein change: p.Lys3095fs; shifts the reading frame from lysine 3095.
Molecular consequence: frameshift variant. On other transcripts: 3 prime UTR variant (5).
Genome position (GRCh38, 1-based): chr6:63,720,745-63,720,746, CC deleted on the plus strand (GG on the coding strand, the reverse complement: EYS is on the minus strand). VCF-style (leftmost placement, unchanged base first): chr6-63720744-ACC-A. GRCh37 (hg19) VCF-style: chr6-64430640-ACC-A.
Other names: c.*7037_*7038del (NM_001290259.2, NM_001370348.2, NM_001370349.2 and 2 more transcripts); c.9348_9349del, p.Lys3116fs (NM_001292009.2); short protein forms K3116fs, K3095fs.
Identifiers: ClinVar variation 1392195 (VCV001392195.6), dbSNP rs2149623641, ClinGen allele CA2573141290.